The following is an entry in ClinVar:

ClinVar aggregate classification (germline): Uncertain significance (1 of 4 stars; one submission).

Submission:

GeneDx
Classification: Uncertain significance. Last evaluated: 2026-03-30. Review status: criteria provided, single submitter. Criteria: GeneDx Variant Classification Process June 2021. Collection method: clinical testing. Allele origin: germline.
Comment: Not observed at significant frequency in large population cohorts (gnomAD); In silico analysis suggests that this missense variant does not alter protein structure/function; Has not been previously published as pathogenic or benign to our knowledge

NM_015021.3(ZNF292):c.7210A>G (p.Ile2404Val)

Gene: ZNF292 (zinc finger protein 292; plus strand). Cytogenetic location: 6q14.3.
Variant type: single nucleotide variant.
Coding change: c.7210A>G on transcript NM_015021.3 (MANE Select); coding-DNA position 7210, A replaced by G.
Protein change: p.Ile2404Val; replaces isoleucine 2404 with valine.
Molecular consequence: missense variant.
Genome position (GRCh38, 1-based): chr6:87,260,839, A>G. VCF-style: chr6-87260839-A-G. GRCh37 (hg19) VCF-style: chr6-87970557-A-G.
Other names: c.6790A>G, p.Ile2264Val (NM_001351444.2); short protein forms I2264V, I2404V.
Identifiers: ClinVar variation 5017952 (VCV005017952.1).